The following is an entry in ClinVar:

ClinVar aggregate classification (germline): Pathogenic/Likely pathogenic. Review status: criteria provided, multiple submitters, no conflicts (2 of 4 stars). 3 submissions from 3 submitters: Pathogenic (2); Likely pathogenic (1). Last evaluated 2025-07-18.

Conditions:
Tyrosinemia type II (TYRSN2). Also called: TAT DEFICIENCY; TYROSINE AMINOTRANSFERASE DEFICIENCY; TYROSINE TRANSAMINASE DEFICIENCY; KERATOSIS PALMOPLANTARIS WITH CORNEAL DYSTROPHY; OREGON TYPE TYROSINEMIA. Identifiers: Orphanet 28378, MedGen C0268487, MONDO:0010160, OMIM 276600.

Allele frequency attached by ClinVar (database versions not stated): gnomAD exomes below 0.00001; gnomAD 0.00001; TOPMed 0.00001.
gnomAD v4.1: 8 of 1,613,964 alleles (0.0005%); highest among the groups gnomAD compares: Non-Finnish European, 0.00059%; no homozygotes.

Submissions (3):

Women's Health and Genetics/Laboratory Corporation of America, LabCorp
Classification: Pathogenic for Tyrosinemia type II. Last evaluated: 2025-07-18. Review status: criteria provided, single submitter. Criteria: LabCorp Variant Classification Summary - May 2015. Collection method: clinical testing. Allele origin: germline.
Comment: Variant summary: TAT c.916C>T (p.Arg306X) results in a premature termination codon, predicted to cause a truncation of the encoded protein or absence of the protein due to nonsense mediated decay, which are commonly known mechanisms for disease. The variant was absent in 251450 control chromosomes. c.916C>T has been observed in individual(s) affected with Tyrosinemia (Wang_2019). These report(s) do not provide unequivocal conclusions about association of the variant with Tyrosinemia Type 2. To our knowledge, no experimental evidence demonstrating an impact on protein function has been reported. The following publication have been ascertained in the context of this evaluation (PMID: 31737040). ClinVar contains an entry for this variant (Variation ID: 1425300). Based on the evidence outlined above, the variant was classified as pathogenic.

Labcorp Genetics (formerly Invitae), Labcorp
Classification: Pathogenic for Tyrosinemia type II. Last evaluated: 2025-01-29. Review status: criteria provided, single submitter. Criteria: Invitae Variant Classification Sherloc (09022015). Collection method: clinical testing. Allele origin: germline.
Comment: This sequence change creates a premature translational stop signal (p.Arg306*) in the TAT gene. It is expected to result in an absent or disrupted protein product. Loss-of-function variants in TAT are known to be pathogenic (PMID: 9544843). This variant is not present in population databases (gnomAD no frequency). This premature translational stop signal has been observed in individual(s) with clinical features of tyrosinemia (PMID: 31737040). ClinVar contains an entry for this variant (Variation ID: 1425300). For these reasons, this variant has been classified as Pathogenic.

Fulgent Genetics
Classification: Likely pathogenic for Tyrosinemia type II. Last evaluated: 2024-03-15. Review status: criteria provided, single submitter. Criteria: ACMG Guidelines, 2015. Collection method: clinical testing. Allele origin: germline.

Literature cited by the submitters: PubMed 31737040 (cited by Women's Health and Genetics/Laboratory Corporation of America, LabCorp and Labcorp Genetics (formerly Invitae), Labcorp); PubMed 9544843 (cited by Labcorp Genetics (formerly Invitae), Labcorp).

NM_000353.3(TAT):c.916C>T (p.Arg306Ter)

Genes: TAT (tyrosine aminotransferase; minus strand), TAT-AS1 (TAT antisense RNA 1; plus strand). Cytogenetic location: 16q22.2.
Variant type: single nucleotide variant.
Coding change: c.916C>T on transcript NM_000353.3 (MANE Select); coding-DNA position 916, C replaced by T.
Protein change: p.Arg306Ter; replaces arginine 306 with a stop codon.
Molecular consequence: nonsense.
Genome position (GRCh38, 1-based): chr16:71,570,394, G>A on the plus strand (C>T on the coding strand, the complement: TAT is on the minus strand). VCF-style: chr16-71570394-G-A. GRCh37 (hg19) VCF-style: chr16-71604297-G-A.
Other names: short protein forms R306*.
Identifiers: ClinVar variation 1425300 (VCV001425300.13), dbSNP rs1316166172, ClinGen allele CA396650998.